The following is an entry in ClinVar:

ClinVar aggregate classification (germline): Pathogenic/Likely pathogenic. Review status: criteria provided, multiple submitters, no conflicts (2 of 4 stars). 5 submissions from 5 submitters: Pathogenic (2); Likely pathogenic (3). Last evaluated 2024-05-08.

Conditions:
AHI1-related disorder. Also called: AHI1-related condition.
Joubert syndrome 3 (JBTS3). Also called: AHI1-related Ciliopathy. Identifiers: Orphanet 220493, MedGen C1837713, MONDO:0012078, OMIM 608629.
Joubert syndrome. Also called: Familial aplasia of the vermis; JOUBERT-BOLTSHAUSER SYNDROME. Identifiers: Orphanet 475, MedGen C5979921, MONDO:0018772.

Submissions (5):

Fulgent Genetics
Classification: Likely pathogenic for Joubert syndrome 3. Last evaluated: 2024-05-08. Review status: criteria provided, single submitter. Criteria: ACMG Guidelines, 2015. Collection method: clinical testing. Allele origin: germline.

GeneDx
Classification: Pathogenic. Last evaluated: 2024-04-24. Review status: criteria provided, single submitter. Criteria: GeneDx Variant Classification Process June 2021. Collection method: clinical testing. Allele origin: germline. Affected: yes.
Comment: Reported previously as a likely pathogenic variant in a carrier frequency study; no patient specific information was provided (PMID: 31964843); Frameshift variant predicted to result in nonsense mediated decay in a gene for which loss of function is a known mechanism of disease; Not observed at significant frequency in large population cohorts (gnomAD); This variant is associated with the following publications: (PMID: 31964843)

Labcorp Genetics (formerly Invitae), Labcorp
Classification: Pathogenic for Joubert syndrome. Last evaluated: 2023-07-10. Review status: criteria provided, single submitter. Criteria: Invitae Variant Classification Sherloc (09022015). Collection method: clinical testing. Allele origin: germline.
Comment: For these reasons, this variant has been classified as Pathogenic. ClinVar contains an entry for this variant (Variation ID: 1326575). This variant has not been reported in the literature in individuals affected with AHI1-related conditions. This variant is present in population databases (rs776569081, gnomAD 0.002%). This sequence change creates a premature translational stop signal (p.Lys210Asnfs*2) in the AHI1 gene. It is expected to result in an absent or disrupted protein product. Loss-of-function variants in AHI1 are known to be pathogenic (PMID: 15322546, 16453322, 28442542, 29186038).

Blueprint Genetics
Classification: Likely pathogenic for AHI1-related disorders. Last evaluated: 2019-05-10. Review status: criteria provided, single submitter. Criteria: ACMG Guidelines, 2015. Collection method: clinical testing. Allele origin: germline. Affected: yes. Observed: 2 variant alleles.

Juno Genomics, Hangzhou Juno Genomics, Inc
Classification: Likely pathogenic for Joubert syndrome 3. Review status: criteria provided, single submitter. Criteria: ACMG Guidelines, 2015. Collection method: clinical testing. Allele origin: germline. Affected: yes.
Comment: Null variant in a gene where loss of function (LOF) is a known mechanism of disease.;Absent from controls (or at extremely low frequency if recessive) in Genome Aggregation Database, Exome Sequencing Project, 1000 Genomes Project, or Exome Aggregation Consortium.

Literature cited by the submitters: PubMed 15322546 (cited by Labcorp Genetics (formerly Invitae), Labcorp); PubMed 16453322 (cited by Labcorp Genetics (formerly Invitae), Labcorp); PubMed 28442542 (cited by Labcorp Genetics (formerly Invitae), Labcorp); PubMed 29186038 (cited by Labcorp Genetics (formerly Invitae), Labcorp).

NM_001134831.2(AHI1):c.630_633del (p.Lys210fs)

Gene: AHI1 (Abelson helper integration site 1; minus strand). Cytogenetic location: 6q23.3.
Variant type: Microsatellite.
Coding change: c.630_633del on transcript NM_001134831.2 (MANE Select); coding-DNA positions 630 to 633, 4 bases deleted (GAAA; older notation c.630_633delGAAA).
Protein change: p.Lys210fs; shifts the reading frame from lysine 210.
Molecular consequence: frameshift variant.
Genome position (GRCh38, 1-based): chr6:135,465,930-135,465,933, TTTC deleted on the plus strand (GAAA on the coding strand, the reverse complement: AHI1 is on the minus strand); deleting any 4 consecutive bases within chr6:135,465,930-135,465,939 gives the same sequence; the c. name uses the placement nearest the transcript's 3' end. VCF-style (leftmost placement, unchanged base first): chr6-135465929-GTTTC-G. GRCh37 (hg19) VCF-style: chr6-135787067-GTTTC-G.
Other names: c.630_633del, p.Lys210fs (NM_001134830.2, NM_001134832.2, NM_001350503.2 and 2 more transcripts); short protein forms K210fs.
Identifiers: ClinVar variation 1326575 (VCV001326575.13), dbSNP rs776569081, ClinGen allele CA4012795.